The following is an entry in ClinVar:

ClinVar aggregate classification (germline): Uncertain significance. Review status: criteria provided, multiple submitters, no conflicts (2 of 4 stars). 5 submissions from 5 submitters: Uncertain significance (4). 1 of the submissions does not count toward it. Last evaluated 2026-01-24.

Conditions:
FANCM-related disorder. Also called: FANCM-related condition.
Spermatogenic failure 28. Identifiers: MedGen C4748117, MONDO:0054732, OMIM 618086.
Premature ovarian failure 15. Identifiers: MedGen C4748170, MONDO:0054862, OMIM 618096.
Fanconi anemia (FA). Also called: Fanconi's anemia. Identifiers: Orphanet 84, MedGen C0015625, MeSH D005199, MONDO:0019391.

Allele frequency attached by ClinVar (database versions not stated): gnomAD exomes below 0.00001 and 0.00002; TOPMed below 0.00001; gnomAD 0.00001; ExAC 0.00002.
gnomAD v4.1: 12 of 1,614,052 alleles (0.00074%); highest among the groups gnomAD compares: East Asian, 0.0045%; no homozygotes.

Submissions (5):

Labcorp Genetics (formerly Invitae), Labcorp
Classification: Uncertain significance for Fanconi anemia. Last evaluated: 2026-01-24. Review status: criteria provided, single submitter. Criteria: Invitae Variant Classification Sherloc (09022015). Collection method: clinical testing. Allele origin: germline.
Comment: This sequence change replaces glutamic acid, which is acidic and polar, with aspartic acid, which is acidic and polar, at codon 1832 of the FANCM protein (p.Glu1832Asp). This variant is present in population databases (rs374303319, gnomAD 0.02%). This variant has not been reported in the literature in individuals affected with FANCM-related conditions. ClinVar contains an entry for this variant (Variation ID: 572693). An algorithm developed to predict the effect of missense changes on protein structure and function (PolyPhen-2) suggests that this variant is likely to be disruptive. In summary, the available evidence is currently insufficient to determine the role of this variant in disease. Therefore, it has been classified as a Variant of Uncertain Significance.

Quest Diagnostics Nichols Institute San Juan Capistrano
Classification: Uncertain significance. Last evaluated: 2025-07-02. Review status: criteria provided, single submitter. Criteria: Quest Diagnostics criteria. Collection method: clinical testing. Allele origin: unknown.
Comment: The FANCM c.5496A>C (p.Glu1832Asp) variant has been reported in the published literature in in individuals with breast cancer as well as in reportedly unaffected individuals (PMID: 33471991 (2021), see also LOVD). The frequency of this variant in the general population (Genome Aggregation Database) is uninformative in the assessment of its pathogenicity. Analysis of this variant using bioinformatics tools for the prediction of the effect of amino acid changes on protein structure and function yielded conflicting predictions that this variant is benign or damaging. Based on the available information, we are unable to determine the clinical significance of this variant.

GeneDx
Classification: Uncertain significance. Last evaluated: 2023-07-14. Review status: criteria provided, single submitter. Criteria: GeneDx Variant Classification Process June 2021. Collection method: clinical testing. Allele origin: germline. Affected: yes.
Comment: In silico analysis supports that this missense variant does not alter protein structure/function; Observed in individuals with stomach adenocarcinoma (Lu et al., 2015); This variant is associated with the following publications: (PMID: 26689913)

Fulgent Genetics
Classification: Uncertain significance for Spermatogenic failure 28; Premature ovarian failure 15. Last evaluated: 2021-12-15. Review status: criteria provided, single submitter. Criteria: ACMG Guidelines, 2015. Collection method: clinical testing. Allele origin: unknown.

PreventionGenetics, part of Exact Sciences
Classification: Uncertain significance for FANCM-related condition. Last evaluated: 2024-08-13. Review status: no assertion criteria provided. Collection method: clinical testing. Allele origin: germline. Not counted in ClinVar's aggregate classification.
Comment: The FANCM c.5496A>C variant is predicted to result in the amino acid substitution p.Glu1832Asp. To our knowledge, this variant has not been reported in the literature. This variant is reported in 0.016% of alleles in individuals of East Asian descent in gnomAD and has been interpreted as variant of uncertain significance in the ClinVar database. At this time, the clinical significance of this variant is uncertain due to the absence of conclusive functional and genetic evidence.

Literature cited by the submitters: PubMed 33471991 (cited by Quest Diagnostics Nichols Institute San Juan Capistrano).

NM_020937.4(FANCM):c.5496A>C (p.Glu1832Asp)

Gene: FANCM (FA complementation group M; plus strand). Cytogenetic location: 14q21.2.
Variant type: single nucleotide variant.
Coding change: c.5496A>C on transcript NM_020937.4 (MANE Select); coding-DNA position 5496, A replaced by C.
Protein change: p.Glu1832Asp; replaces glutamic acid 1832 with aspartic acid.
Molecular consequence: missense variant.
Genome position (GRCh38, 1-based): chr14:45,196,327, A>C. VCF-style: chr14-45196327-A-C. GRCh37 (hg19) VCF-style: chr14-45665530-A-C.
Other names: c.5496A>C (LRG_502t1, NM_020937.3); c.5418A>C, p.Glu1806Asp (NM_001308133.2); short protein forms E1832D, E1806D.
Identifiers: ClinVar variation 572693 (VCV000572693.14), dbSNP rs374303319, ClinGen allele CA7170012.
Genomic context (GRCh38, chr14:45,196,327, plus strand): 5'-GCAGGAAGGAAAAGGAACCTGTATTCTTGTAGGTGGTCATGAAATCACTTCTGGATTAGA[A>C]GTAATTTCTTCCCTAAGAGCAATTCATGGGTTGCAAGTAGAAGTTTGTCCTCTTAATGGC-3'
Protein context (NP_065988.1, residues 1822-1842): VGGHEITSGL[Glu1832Asp]VISSLRAIHG